The following is an entry in ClinVar:

ClinVar aggregate classification (germline): Uncertain significance. Review status: criteria provided, multiple submitters, no conflicts (2 of 4 stars). 4 submissions from 4 submitters: Uncertain significance (4). Last evaluated 2026-03-24.

Conditions:
Fetal anomalies with a likely genetic cause.
Inborn genetic diseases. Identifiers: MedGen C0950123, MeSH D030342.
Warsaw breakage syndrome (WABS). Also called: DDX11-Related Cohesinopathy. Identifiers: Orphanet 280558, MedGen C3150658, MONDO:0013252, OMIM 613398.

Allele frequency attached by ClinVar (database versions not stated): ExAC 0.00002; gnomAD exomes 0.00002; TOPMed 0.00004; gnomAD 0.00006 and 0.00007; ESP Exome Variant Server 0.00008.
gnomAD v4.1: 95 of 1,613,740 alleles (0.0059%); highest among the groups gnomAD compares: Non-Finnish European, 0.0076%; no homozygotes.

Submissions (5):

GeneDx
Classification: Uncertain significance. Last evaluated: 2026-03-24. Review status: criteria provided, single submitter. Criteria: GeneDx Variant Classification Process June 2021. Collection method: clinical testing. Allele origin: germline. Affected: yes.
Comment: Identified in the published literature by exome sequencing in one or more individuals with acute myeloid leukemia; however, additional information is not available (PMID: 26689913); Canonical splice site variant predicted to result in protein truncation with the loss of the last 75 amino acids; This variant is associated with the following publications: (PMID: 32855419, 26689913)

Genetics Laboratory, Great Ormond Street Hospital NHS Foundation Trust, North Thames Genomic Laboratory Hub
Classification: Uncertain significance for Fetal anomalies with a likely genetic cause. Last evaluated: 2026-02-28. Review status: criteria provided, single submitter. Criteria: ACGS Best Practice Guidelines for Variant Classification in Rare Disease 2024 v1.2. Collection method: clinical testing. Allele origin: germline. Affected: yes.
Comment: PS4_supporting, PM2_moderate, PM4_moderate

Ambry Genetics
Classification: Uncertain significance for Inborn genetic diseases. Last evaluated: 2020-12-11. Review status: criteria provided, single submitter. Criteria: Ambry Variant Classification Scheme 2023. Collection method: clinical testing. Allele origin: germline.
Comment: The c.2692-1G>A intronic variant results from a G to A substitution one nucleotide(s) before coding exon 26 of the DDX11 gene. This alteration occurs at the 3' terminus of the DDX11 gene and is not expected to trigger nonsense-mediated mRNA decay. The exact functional effect of this alteration is unknown. Based on insufficient or conflicting evidence, the clinical significance of this alteration remains unclear.

Victorian Clinical Genetics Services, Murdoch Childrens Research Institute
Classification: Uncertain significance for Warsaw breakage syndrome. Last evaluated: 2020-05-21. Review status: criteria provided, single submitter. Criteria: ACMG Guidelines, 2015. Collection method: clinical testing. Allele origin: germline. Inheritance: Autosomal recessive inheritance.
Comment: A heterozygous canonical splice site variant was identified, NM_030653.3(DDX11):c.2692-1G>A in intron 26 of 26 of the DDX11 gene. This substitution has been shown to cause aberrant splicing of exon 27 in the DDX11 gene, with an unknown effect on protein function (McFarlane-Majeed, L. (2014)). The nucleotide at this position has high conservation (PhyloP UCSC). In silico software predicts the disruption of the acceptor splice site (NetGene2, Fruit fly, Human Splicing Finder). The variant is present in the gnomAD population database at a frequency of 0.0024% (6 heterozygotes; 0 homozygotes). It has been previously reported in a patient with Warshaw Breakage Syndrome (McFarlane-Majeed, L. (2014)). Based on information available at the time of curation, this variant has been classified as a VUS with POTENTIAL CLINICAL RELEVANCE CLINICAL RELEVANCE. Legend: (P) - Pathogenic, (N) - Neutral, (B) - Benign

Dr. Peter K. Rogan Lab, Western University
No classification provided (evidence only). Condition: Acute myeloid leukemia. Review status: no classification provided. Collection method: in vitro. Allele origin: not applicable. Functional consequence: retained intron. Not counted in ClinVar's aggregate classification.

Literature cited by the submitters: PubMed 32855419 (cited by Ambry Genetics).

NM_030653.4(DDX11):c.2692-1G>A

Gene: DDX11 (DEAD/H-box helicase 11; plus strand). Cytogenetic location: 12p11.21.
Variant type: single nucleotide variant.
Coding change: c.2692-1G>A on transcript NM_030653.4 (MANE Select); the canonical splice acceptor site of the intron before coding-DNA position 2692, G replaced by A.
Molecular consequence: splice acceptor variant.
Genome position (GRCh38, 1-based): chr12:31,103,806, G>A. VCF-style: chr12-31103806-G-A. GRCh37 (hg19) VCF-style: chr12-31256740-G-A.
Other names: NC_000012.11:g.31256740G>A; c.2692-1G>A (NM_001413693.1, NM_001413692.1, NM_001413694.1); c.1831-1G>A (NM_001413705.1); c.1826-1G>A (NM_001413704.1); c.2687-1G>A (NM_152438.2, NM_001257144.2, NM_001413695.1 and 1 more transcripts); c.2542-1G>A (NM_004399.3); c.1726-1G>A (NM_001413706.1); c.2605-1G>A (NM_001413700.1); and 3 more.
Identifiers: ClinVar variation 1310138 (VCV001310138.7), dbSNP rs376819535, ClinGen allele CA6501960.